The following is an entry in ClinVar:

NM_001291303.3(FAT4):c.12091G>A (p.Glu4031Lys)

Gene: FAT4 (FAT atypical cadherin 4; plus strand). Cytogenetic location: 4q28.1.
Variant type: single nucleotide variant.
Coding change: c.12091G>A on transcript NM_001291303.3 (MANE Select); coding-DNA position 12091, G replaced by A.
Protein change: p.Glu4031Lys; replaces glutamic acid 4031 with lysine.
Molecular consequence: missense variant.
Genome position (GRCh38, 1-based): chr4:125,468,697, G>A. VCF-style: chr4-125468697-G-A. GRCh37 (hg19) VCF-style: chr4-126389852-G-A.
Other names: c.12091G>A, p.Glu4031Lys (NM_001291285.3); c.12085G>A, p.Glu4029Lys (NM_024582.6); short protein forms E4029K, E4031K.
Identifiers: ClinVar variation 426991 (VCV000426991.2), dbSNP rs1085307886, ClinGen allele CA358128444.
Genomic context (GRCh38, chr4:125,468,697, plus strand): 5'-GCCTTATTGCTTTACAACTATGACAACCAGACAGGCGACCGGGCTGAGTTTTTGGCCCTT[G>A]AAATTGCCGAAGAAAGACTAAGATTCTCTTATAATTTAGGCAGTGGTACATATAAGCTCA-3'
Protein context (NP_001278232.1, residues 4021-4041): TGDRAEFLAL[Glu4031Lys]IAEERLRFSY

ClinVar aggregate classification (germline): Likely pathogenic (1 of 4 stars; one submission).

Submission:

GeneDx
Classification: Likely pathogenic. Last evaluated: 2016-10-21. Review status: criteria provided, single submitter. Criteria: GeneDx Variant Classification (06012015). Collection method: clinical testing. Allele origin: germline. Affected: yes.
Comment: The inherited E4029K variant in the FAT4 gene has not been published as a pathogenic variant, nor has it been reported as a benign polymorphism to our knowledge. The E4029K variant was not observed in approximately 6,500 individuals of European and African American ancestry in the NHLBI Exome Sequencing Project, indicating it is not a common benign variant in these populations. The E4029K variant is a non-conservative amino acid substitution, which is likely to impact secondary protein structure as these residues differ in polarity, charge, size and/or other properties. This substitution occurs at a position that is conserved across species. In silico analysis predicts this variant is probably damaging to the protein structure/function. The E4029K variant is a good candidate for a disease-causing variant, however the possibility it may be a rare benign variant cannot be excluded.